The following is an entry in ClinVar:

ClinVar aggregate classification (germline): Uncertain significance (1 of 4 stars; one submission).

Conditions:
GANAB-related disorder. Also called: GANAB-related condition.

Submission:

PreventionGenetics, part of Exact Sciences
Classification: Uncertain significance for GANAB-related condition. Last evaluated: 2024-12-18. Review status: criteria provided, single submitter. Criteria: ACMG Guidelines, 2015. Collection method: clinical testing. Allele origin: germline.
Comment: The GANAB c.1652A>G variant is predicted to result in the amino acid substitution p.Asn551Ser. To our knowledge, this variant has not been reported in the literature or in a large population database (gnomAD), indicating this variant is rare. Of note, a different substitution at the same codon, defined as c.1652A>C (p.Asn551Thr), was reported in an individual with atypical hemolytic uremic syndrome (aHUS) (Supp. Table 5, Bekheirnia et al. 2021. PubMed ID: 35368817). At this time, the clinical significance of the c.1652A>G (p.Asn551Ser) variant is uncertain due to the absence of conclusive functional and genetic evidence.

NM_198334.3(GANAB):c.1586A>G (p.Asn529Ser)

Gene: GANAB (glucosidase II alpha subunit; minus strand). Cytogenetic location: 11q12.3.
Variant type: single nucleotide variant.
Coding change: c.1586A>G on transcript NM_198334.3 (MANE Select); coding-DNA position 1586, A replaced by G.
Protein change: p.Asn529Ser; replaces asparagine 529 with serine.
Molecular consequence: missense variant.
Genome position (GRCh38, 1-based): chr11:62,630,204, T>C on the plus strand (A>G on the coding strand, the complement: GANAB is on the minus strand). VCF-style: chr11-62630204-T-C. GRCh37 (hg19) VCF-style: chr11-62397676-T-C.
Other names: c.1310A>G, p.Asn437Ser (NM_001278192.2); c.1244A>G, p.Asn415Ser (NM_001278193.2); c.1295A>G, p.Asn432Ser (NM_001278194.2, NM_001329222.2, NM_001329223.2); c.863A>G, p.Asn288Ser (NM_001329224.2, NM_001329225.2); c.1652A>G, p.Asn551Ser (NM_198335.4); short protein forms N437S, N551S, N529S, N288S, N432S, N415S.
Identifiers: ClinVar variation 4999567 (VCV004999567.1).